The following is an entry in ClinVar:

NM_000135.4(FANCA):c.2994T>G (p.Tyr998Ter)

Gene: FANCA (FA complementation group A; minus strand). Cytogenetic location: 16q24.3.
Variant type: single nucleotide variant.
Coding change: c.2994T>G on transcript NM_000135.4 (MANE Select); coding-DNA position 2994, T replaced by G.
Protein change: p.Tyr998Ter; replaces tyrosine 998 with a stop codon.
Molecular consequence: nonsense.
Genome position (GRCh38, 1-based): chr16:89,752,210, A>C on the plus strand (T>G on the coding strand, the complement: FANCA is on the minus strand). VCF-style: chr16-89752210-A-C. GRCh37 (hg19) VCF-style: chr16-89818618-A-C.
Other names: c.2994T>G, p.Tyr998Ter (NM_001286167.3); short protein forms Y998*.
Identifiers: ClinVar variation 1724153 (VCV001724153.6), dbSNP rs758384536, ClinGen allele CA397426441.

ClinVar aggregate classification (germline): Conflicting classifications of pathogenicity. Review status: criteria provided, conflicting classifications (1 of 4 stars). 5 submissions from 5 submitters: Pathogenic (1); Likely pathogenic (3); Uncertain significance (1). Last evaluated 2024-03-25.

Conditions:
FANCA-related disorder. Also called: FANCA-related condition.
Fanconi anemia complementation group A (FANCA). Also called: FANCA-Related Fanconi Anemia; Fanconi anemia, group A. Identifiers: Orphanet 84, MedGen C3469521, MONDO:0009215, OMIM 227650.

gnomAD v4.1: 2 of 1,613,786 alleles (0.00012%); highest among the groups gnomAD compares: Non-Finnish European, 0.00017%; no homozygotes.

Submissions (5):

Genomic Medicine Center of Excellence, King Faisal Specialist Hospital and Research Centre
Classification: Uncertain significance for Fanconi anemia complementation group A. Last evaluated: 2024-03-25. Review status: criteria provided, single submitter. Criteria: ACMG Guidelines, 2015. Collection method: clinical testing. Allele origin: germline.

Fulgent Genetics
Classification: Likely pathogenic for Fanconi anemia complementation group A. Last evaluated: 2024-03-09. Review status: criteria provided, single submitter. Criteria: ACMG Guidelines, 2015. Collection method: clinical testing. Allele origin: germline.

Revvity Omics, Revvity
Classification: Pathogenic for Fanconi anemia complementation group A. Last evaluated: 2023-10-20. Review status: criteria provided, single submitter. Criteria: ACMG Guidelines, 2015. Collection method: clinical testing. Allele origin: germline.

PreventionGenetics, part of Exact Sciences
Classification: Likely pathogenic for FANCA-related condition. Last evaluated: 2023-03-04. Review status: criteria provided, single submitter. Criteria: ACMG Guidelines, 2015. Collection method: clinical testing. Allele origin: germline.
Comment: The FANCA c.2994T>G variant is predicted to result in premature protein termination (p.Tyr998*). To our knowledge, this variant has not been reported in the literature or in a large population database, indicating this variant is rare. Nonsense variants in FANCA are expected to be pathogenic. This variant is interpreted as likely pathogenic.

Myriad Genetics, Inc.
Classification: Likely pathogenic for Fanconi anemia complementation group A. Last evaluated: 2021-11-05. Review status: criteria provided, single submitter. Criteria: Myriad Women's Health Autosomal Recessive and X-Linked Classification Criteria (2021). Collection method: clinical testing. Allele origin: unknown.
Comment: NM_000135.2(FANCA):c.2994T>G(Y998*) is expected to be pathogenic in the context of Fanconi anemia complementation group A. This variant is predicted to lead to an abnormal or absent protein product due to the creation of a premature termination codon in FANCA, a gene where loss-of-function variants are known to be pathogenic. Please note: this variant was assessed in the context of healthy population screening.